The following is an entry in ClinVar:

ClinVar aggregate classification (germline): Uncertain significance (1 of 4 stars; one submission).

Conditions:
Charcot-Marie-Tooth disease type 4. Also called: Charcot-Marie-Tooth, Type 4; Charcot-Marie-Tooth disease, type IV. Identifiers: Orphanet 64749, MedGen C4082197, MONDO:0018995.

Submission:

Labcorp Genetics (formerly Invitae), Labcorp
Classification: Uncertain significance for Charcot-Marie-Tooth disease type 4. Last evaluated: 2021-07-21. Review status: criteria provided, single submitter. Criteria: Invitae Variant Classification Sherloc (09022015). Collection method: clinical testing. Allele origin: germline.
Comment: Algorithms developed to predict the effect of missense changes on protein structure and function are either unavailable or do not agree on the potential impact of this missense change (SIFT: "Tolerated"; PolyPhen-2: "Possibly Damaging"; Align-GVGD: "Class C0"). This variant has not been reported in the literature in individuals affected with SBF2-related conditions. This variant is not present in population databases (ExAC no frequency). This sequence change replaces glutamine with arginine at codon 666 of the SBF2 protein (p.Gln666Arg). The glutamine residue is highly conserved and there is a small physicochemical difference between glutamine and arginine. In summary, the available evidence is currently insufficient to determine the role of this variant in disease. Therefore, it has been classified as a Variant of Uncertain Significance.

NM_030962.4(SBF2):c.1997A>G (p.Gln666Arg)

Genes: SBF2 (SET binding factor 2; minus strand), LOC101928008 (uncharacterized LOC101928008; plus strand). Cytogenetic location: 11p15.4.
Variant type: single nucleotide variant.
Coding change: c.1997A>G on transcript NM_030962.4 (MANE Select); coding-DNA position 1997, A replaced by G.
Protein change: p.Gln666Arg; replaces glutamine 666 with arginine.
Molecular consequence: missense variant.
Genome position (GRCh38, 1-based): chr11:9,858,329, T>C on the plus strand (A>G on the coding strand, the complement: SBF2 is on the minus strand). VCF-style: chr11-9858329-T-C. GRCh37 (hg19) VCF-style: chr11-9879876-T-C.
Other names: c.1997A>G, p.Gln666Arg (NM_001386339.1); c.1868A>G, p.Gln623Arg (NM_001386342.1); short protein forms Q666R, Q623R.
Identifiers: ClinVar variation 1492415 (VCV001492415.9), dbSNP rs2134006965, ClinGen allele CA379642029.